The following is an entry in ClinVar:

ClinVar aggregate classification (germline): Likely benign. Review status: criteria provided, multiple submitters, no conflicts (2 of 4 stars). 2 submissions from 2 submitters: Likely benign (2). Last evaluated 2025-10-24.

Conditions:
Developmental and epileptic encephalopathy, 42 (DEE42A). Also called: DEVELOPMENTAL AND EPILEPTIC ENCEPHALOPATHY 42A; EPILEPTIC ENCEPHALOPATHY, EARLY INFANTILE, 42A; Epileptic encephalopathy, early infantile, 42. Identifiers: MedGen C4310716, MONDO:0014917, OMIM 617106.
Episodic ataxia type 2 (EA2). Also called: ATAXIA, EPISODIC, WITH NYSTAGMUS; ATAXIA, FAMILIAL PAROXYSMAL; CEREBELLAR ATAXIA, PAROXYSMAL, ACETAZOLAMIDE-RESPONSIVE; CEREBELLOPATHY, HEREDITARY PAROXYSMAL; EPISODIC ATAXIA, NYSTAGMUS-ASSOCIATED; ACETAZOLAMIDE-RESPONSIVE HEREDITARY PAROXYSMAL CEREBELLAR ATAXIA. Identifiers: Orphanet 97, MedGen C1720416, MONDO:0007163, OMIM 108500.

Allele frequency attached by ClinVar (database versions not stated): TOPMed 0.00001; ExAC 0.00002.
gnomAD v4.1: 39 of 1,612,352 alleles (0.0024%); highest among the groups gnomAD compares: Non-Finnish European, 0.0031%; no homozygotes.

Submissions (2):

Athena Diagnostics
Classification: Likely benign. Last evaluated: 2025-10-24. Review status: criteria provided, single submitter. Criteria: Athena Diagnostics Criteria. Collection method: clinical testing. Allele origin: unknown.
Comment: Computational tools yielded predictions that this variant is unlikely to have an effect on normal RNA splicing. This nucleotide position exhibits low evolutionary conservation.

Labcorp Genetics (formerly Invitae), Labcorp
Classification: Likely benign for Developmental and epileptic encephalopathy, 42; Episodic ataxia type 2. Last evaluated: 2024-06-15. Review status: criteria provided, single submitter. Criteria: Invitae Variant Classification Sherloc (09022015). Collection method: clinical testing. Allele origin: germline.

NM_001127222.2(CACNA1A):c.5733A>T (p.Gly1911=)

Gene: CACNA1A (calcium voltage-gated channel subunit alpha1 A; minus strand). Cytogenetic location: 19p13.13.
Variant type: single nucleotide variant.
Coding change: c.5733A>T on transcript NM_001127222.2 (MANE Select); coding-DNA position 5733, A replaced by T.
Protein change: p.Gly1911=; no amino-acid change (glycine 1911 retained).
Molecular consequence: synonymous variant.
Genome position (GRCh38, 1-based): chr19:13,214,607, T>A on the plus strand (A>T on the coding strand, the complement: CACNA1A is on the minus strand). VCF-style: chr19-13214607-T-A. GRCh37 (hg19) VCF-style: chr19-13325421-T-A.
Other names: c.5751A>T, p.Gly1917= (NM_000068.4, NM_023035.3); c.5736A>T, p.Gly1912= (NM_001127221.2); c.5742A>T, p.Gly1914= (NM_001174080.2); c.5736A>T (NM_000068.2).
Identifiers: ClinVar variation 2162514 (VCV002162514.5), dbSNP rs758357771, ClinGen allele CA9239597.
Genomic context (GRCh38, chr19:13,214,607, plus strand): 5'-GGGCCAAATCGCCATCATCTCCTTCCGCAGCTCAGCGTCCATCTGCTGTTTGTCGGCTCC[T>A]CCTGCAATGGGGGTGTAGACAGACCCTGACTGCCTGCCTGGGTGTCAGCTGGACTCTGGG-3'
Protein context (NP_001120694.1, residues 1901-1921): RTALDIKIAK[Gly1911=]GADKQQMDAE